The following is an entry in ClinVar:

NM_001242896.3(DEPDC5):c.2784C>T (p.Ala928=)

Gene: DEPDC5 (DEP domain containing 5, GATOR1 subcomplex subunit; plus strand). Cytogenetic location: 22q12.3.
Variant type: single nucleotide variant.
Coding change: c.2784C>T on transcript NM_001242896.3 (MANE Select); coding-DNA position 2784, C replaced by T.
Protein change: p.Ala928=; no amino-acid change (alanine 928 retained).
Molecular consequence: synonymous variant. On other transcripts: non-coding transcript variant (5).
Genome position (GRCh38, 1-based): chr22:31,843,795, C>T. VCF-style: chr22-31843795-C-T. GRCh37 (hg19) VCF-style: chr22-32239781-C-T.
Other names: p.Ala928=; c.2757C>T, p.Ala919= (NM_001136029.4, NM_001369903.1, NM_014662.6); c.2550C>T, p.Ala850= (NM_001242897.2, NM_001363854.2, NM_001364319.2); c.2784C>T, p.Ala928= (NM_001363852.2, NM_001364318.2, NM_001364320.2); c.2700C>T, p.Ala900= (NM_001369901.1, NM_001369902.1).
Identifiers: ClinVar variation 590152 (VCV000590152.45), dbSNP rs201146392, ClinGen allele CA10196795.

ClinVar aggregate classification (germline): Likely benign. Review status: criteria provided, multiple submitters, no conflicts (2 of 4 stars). 7 submissions from 7 submitters: Likely benign (6). 1 of the submissions does not count toward it. Last evaluated 2025-08-30.

Conditions:
Familial focal epilepsy with variable foci (FPEVF). Identifiers: Orphanet 98820, MedGen C1858477, MONDO:0020310.
Inborn genetic diseases. Identifiers: MedGen C0950123, MeSH D030342.
DEPDC5-related disorder. Also called: DEPDC5-related condition; DEPDC5-related related disorder.

Allele frequency attached by ClinVar (database versions not stated): TOPMed 0.00010; gnomAD 0.00011 and 0.00012; ExAC 0.00012; gnomAD exomes 0.00012 and 0.00023; ESP Exome Variant Server 0.00034.
gnomAD v4.1: 343 of 1,606,068 alleles (0.021%); highest among the groups gnomAD compares: Non-Finnish European, 0.028%; no homozygotes.

Submissions (7):

Labcorp Genetics (formerly Invitae), Labcorp
Classification: Likely benign for Familial focal epilepsy with variable foci. Last evaluated: 2025-08-30. Review status: criteria provided, single submitter. Criteria: Invitae Variant Classification Sherloc (09022015). Collection method: clinical testing. Allele origin: germline.

Mayo Clinic Laboratories, Mayo Clinic
Classification: Likely benign. Last evaluated: 2025-04-10. Review status: criteria provided, single submitter. Criteria: ACMG Guidelines, 2015. Collection method: clinical testing. Allele origin: germline. Observed: 1 variant allele.
Comment: BP4, BP7

Blueprint Genetics
Classification: Likely benign. Last evaluated: 2023-11-21. Review status: criteria provided, single submitter. Criteria: ACMG Guidelines, 2015. Collection method: clinical testing. Allele origin: germline.

CeGaT Center for Human Genetics Tuebingen
Classification: Likely benign. Last evaluated: 2023-04-01. Review status: criteria provided, single submitter. Criteria: CeGaT Center For Human Genetics Tuebingen Variant Classification Criteria Version 2. Collection method: clinical testing. Allele origin: germline. Affected: yes. Observed: 1 variant allele.
Comment: DEPDC5: BP4, BP7

GeneDx
Classification: Likely benign. Last evaluated: 2020-06-08. Review status: criteria provided, single submitter. Criteria: GeneDx Variant Classification Process June 2021. Collection method: clinical testing. Allele origin: germline. Affected: yes.

Ambry Genetics
Classification: Likely benign for Inborn genetic diseases. Last evaluated: 2017-05-25. Review status: criteria provided, single submitter. Criteria: Ambry Variant Classification Scheme 2023. Collection method: clinical testing. Allele origin: germline.

PreventionGenetics, part of Exact Sciences
Classification: Likely benign for DEPDC5-related condition. Last evaluated: 2021-09-29. Review status: no assertion criteria provided. Collection method: clinical testing. Allele origin: germline. Not counted in ClinVar's aggregate classification.
Comment: This variant is classified as likely benign based on ACMG/AMP sequence variant interpretation guidelines (Richards et al. 2015 PMID: 25741868, with internal and published modifications).